The following is an entry in ClinVar:

NM_015272.5(RPGRIP1L):c.441_529+79delinsTGCT

Gene: RPGRIP1L (RPGRIP1 like; minus strand). Cytogenetic location: 16q12.2.
Variant type: Indel.
Coding change: c.441_529+79delinsTGCT on transcript NM_015272.5 (MANE Select); coding-DNA position 441 through 79 bases into the intron after coding-DNA position 529, the reference bases replaced by TGCT.
Molecular consequence: splice donor variant.
Genome position (GRCh38, 1-based): chr16:53,691,987-53,692,154, 168 bases replaced. GRCh37 (hg19): chr16:53,725,899-53,726,066.
Other names: c.441_529+79delinsTGCT (NM_001127897.4, NM_001330538.2, NM_001308334.3).
Identifiers: ClinVar variation 2952414 (VCV002952414.3), dbSNP rs2544701917, ClinGen allele CA2740093380.

ClinVar aggregate classification (germline): Likely pathogenic (1 of 4 stars; one submission).

Conditions:
Joubert syndrome. Also called: CEREBELLOPARENCHYMAL DISORDER IV; JOUBERT-BOLTSHAUSER SYNDROME; Familial aplasia of the vermis. Identifiers: Orphanet 475, MedGen C5979921, MONDO:0018772.
Meckel-Gruber syndrome. Also called: DYSENCEPHALIA SPLANCHNOCYSTICA; GRUBER SYNDROME; Dysencephalia splachnocystica. Identifiers: Orphanet 564, MedGen C0265215, MONDO:0018921.

Submission:

Labcorp Genetics (formerly Invitae), Labcorp
Classification: Likely pathogenic for Joubert syndrome; Meckel-Gruber syndrome. Last evaluated: 2023-10-02. Review status: criteria provided, single submitter. Criteria: Invitae Variant Classification Sherloc (09022015). Collection method: clinical testing. Allele origin: germline.
Comment: This variant results in the deletion of part of exon 4 (c.441_529+79delinsTGCT) of the RPGRIP1L gene. It is expected to disrupt RNA splicing. Variants that disrupt the donor or acceptor splice site typically lead to a loss of protein function (PMID: 16199547), and loss-of-function variants in RPGRIP1L are known to be pathogenic (PMID: 17558409). This variant is not present in population databases (gnomAD no frequency). This variant has not been reported in the literature in individuals affected with RPGRIP1L-related conditions. In summary, the currently available evidence indicates that the variant is pathogenic, but additional data are needed to prove that conclusively. Therefore, this variant has been classified as Likely Pathogenic.

Literature cited by the submitters: PubMed 16199547; PubMed 17558409.